The following is an entry in ClinVar:

NM_001368809.2(AMPD2):c.970C>T (p.Arg324Trp)

Genes: AMPD2 (adenosine monophosphate deaminase 2; plus strand), LOC126805822 (BRD4-independent group 4 enhancer GRCh37_chr1:110170748-110171947; plus strand). Cytogenetic location: 1p13.3.
Variant type: single nucleotide variant.
Coding change: c.970C>T on transcript NM_001368809.2 (MANE Select); coding-DNA position 970, C replaced by T.
Protein change: p.Arg324Trp; replaces arginine 324 with tryptophan.
Molecular consequence: missense variant.
Genome position (GRCh38, 1-based): chr1:109,627,793, C>T. VCF-style: chr1-109627793-C-T. GRCh37 (hg19) VCF-style: chr1-110170415-C-T.
Other names: NM_203404.1:c.775C>T; c.778C>T, p.Arg260Trp (NM_001257361.2); c.907C>T, p.Arg303Trp (NM_001308170.1); c.970C>T, p.Arg324Trp (NM_004037.9); c.889C>T, p.Arg297Trp (NM_139156.4); short protein forms R260W, R297W, R303W, R324W.
Identifiers: ClinVar variation 1332816 (VCV001332816.7), dbSNP rs776868175, ClinGen allele CA992989.

ClinVar aggregate classification (germline): Conflicting classifications of pathogenicity. Review status: criteria provided, conflicting classifications (1 of 4 stars). 3 submissions from 3 submitters: Likely pathogenic (1); Uncertain significance (2). Last evaluated 2024-08-08.

Conditions:
Hereditary spastic paraplegia 63. Also called: Spastic paraplegia 63, autosomal recessive. Identifiers: Orphanet 401805, MedGen C3810295, MONDO:0014305, OMIM 615686.
Pontocerebellar hypoplasia type 9. Identifiers: Orphanet 369920, MedGen C4014354, MONDO:0014351, OMIM 615809.

Allele frequency attached by ClinVar (database versions not stated): gnomAD exomes 0.00001; TOPMed 0.00001; ExAC 0.00002.
gnomAD v4.1: 14 of 1,614,118 alleles (0.00087%); highest among the groups gnomAD compares: South Asian, 0.0022%; no homozygotes.

Submissions (3):

Women's Health and Genetics/Laboratory Corporation of America, LabCorp
Classification: Uncertain significance. Last evaluated: 2024-08-08. Review status: criteria provided, single submitter. Criteria: LabCorp Variant Classification Summary - May 2015. Collection method: clinical testing. Allele origin: germline.
Comment: Variant summary: AMPD2 c.970C>T (p.Arg324Trp) results in a non-conservative amino acid change in the encoded protein sequence. Five of five in-silico tools predict a damaging effect of the variant on protein function. The variant allele was found at a frequency of 1.2e-05 in 251294 control chromosomes. c.970C>T has been reported in the literature in a homozygous individual affected with Pontocerebellar Hypoplasia, Type 9 (Kortm_2018). These data indicate that the variant may be associated with disease. To our knowledge, no experimental evidence demonstrating an impact on protein function has been reported. The following publication have been ascertained in the context of this evaluation (PMID: 29463858). ClinVar contains an entry for this variant (Variation ID: 1332816). Based on the evidence outlined above, the variant was classified as VUS-possibly pathogenic.

Labcorp Genetics (formerly Invitae), Labcorp
Classification: Uncertain significance for Pontocerebellar hypoplasia type 9; Hereditary spastic paraplegia 63. Last evaluated: 2022-01-03. Review status: criteria provided, single submitter. Criteria: Invitae Variant Classification Sherloc (09022015). Collection method: clinical testing. Allele origin: germline.
Comment: In summary, the available evidence is currently insufficient to determine the role of this variant in disease. Therefore, it has been classified as a Variant of Uncertain Significance. This variant disrupts the p.Arg378 amino acid residue in AMPD2. Other variant(s) that disrupt this residue have been determined to be pathogenic (PMID: 29463858; Invitae). This suggests that this residue is clinically significant, and that variants that disrupt this residue are likely to be disease-causing. Algorithms developed to predict the effect of missense changes on protein structure and function are either unavailable or do not agree on the potential impact of this missense change (SIFT: "Deleterious"; PolyPhen-2: "Probably Damaging"; Align-GVGD: "Class C0"). This missense change has been observed in individual(s) with pontocerebellar hypoplasia (PMID: 29463858). This variant is present in population databases (rs776868175, gnomAD 0.003%). This sequence change replaces arginine, which is basic and polar, with tryptophan, which is neutral and slightly polar, at codon 378 of the AMPD2 protein (p.Arg378Trp).

Kasturba Medical College, Manipal, Kasturba Medical College, Manipal, Manipal Academy of Higher Education, Manipal, India
Classification: Likely pathogenic for Pontocerebellar hypoplasia type 9. Review status: criteria provided, single submitter. Criteria: ACMG Guidelines, 2015. Collection method: research. Allele origin: inherited. Affected: yes.

Literature cited by the submitters: PubMed 29463858 (cited by Women's Health and Genetics/Laboratory Corporation of America, LabCorp and Labcorp Genetics (formerly Invitae), Labcorp).